The following is an entry in ClinVar:

ClinVar aggregate classification (germline): Likely benign (0 of 4 stars; one submission).

Conditions:
NTRK2-related disorder. Also called: NTRK2-related condition.

Submission:

PreventionGenetics, part of Exact Sciences
Classification: Likely benign for NTRK2-related condition. Last evaluated: 2022-01-22. Review status: no assertion criteria provided. Collection method: clinical testing. Allele origin: germline.
Comment: This variant is classified as likely benign based on ACMG/AMP sequence variant interpretation guidelines (Richards et al. 2015 PMID: 25741868, with internal and published modifications).

NM_006180.6(NTRK2):c.1160-9G>C

Gene: NTRK2 (neurotrophic receptor tyrosine kinase 2; plus strand). Cytogenetic location: 9q21.33.
Variant type: single nucleotide variant.
Coding change: c.1160-9G>C on transcript NM_006180.6 (MANE Select); 9 bases into the intron before coding-DNA position 1160, G replaced by C.
Molecular consequence: intron variant.
Genome position (GRCh38, 1-based): chr9:84,741,883, G>C. VCF-style: chr9-84741883-G-C. GRCh37 (hg19) VCF-style: chr9-87356798-G-C.
Other names: c.1160-9G>C (NM_001369532.1, NM_001369533.1, NM_001018066.3 and 15 more transcripts); c.1121-9G>C (NM_001291937.2, NM_001369546.1); c.1160-3090G>C (NM_001369534.1); c.692-9G>C (NM_001369536.1, NM_001369535.1, NM_001369550.1 and 2 more transcripts).
Identifiers: ClinVar variation 3354932 (VCV003354932.1).